The following is an entry in ClinVar:

NM_004656.4(BAP1):c.3G>C (p.Met1Ile)

Gene: BAP1 (BRCA1 associated deubiquitinase 1; minus strand). Cytogenetic location: 3p21.1.
Variant type: single nucleotide variant.
Coding change: c.3G>C on transcript NM_004656.4 (MANE Select); coding-DNA position 3, G replaced by C.
Protein change: p.Met1Ile; changes the start codon (methionine 1).
Molecular consequence: missense variant, initiator codon variant.
Genome position (GRCh38, 1-based): chr3:52,409,876, C>G on the plus strand (G>C on the coding strand, the complement: BAP1 is on the minus strand). VCF-style: chr3-52409876-C-G. GRCh37 (hg19) VCF-style: chr3-52443892-C-G.
Other names: c.3G>C, p.Met1Ile (NM_001410772.1); short protein forms M1I.
Identifiers: ClinVar variation 1953049 (VCV001953049.8), dbSNP rs2153228693, ClinGen allele CA353115181.

ClinVar aggregate classification (germline): Pathogenic/Likely pathogenic. Review status: criteria provided, multiple submitters, no conflicts (2 of 4 stars). 2 submissions from 2 submitters: Pathogenic (1); Likely pathogenic (1). Last evaluated 2024-02-04.

Conditions:
Hereditary cancer-predisposing syndrome. Also called: Hereditary neoplastic syndrome; Tumor predisposition; Hereditary Cancer Syndrome; Neoplastic Syndromes, Hereditary. Identifiers: Orphanet 140162, MedGen C0027672, MeSH D009386, MONDO:0015356.
BAP1-related tumor predisposition syndrome (TPDS1). Also called: Tumor susceptibility linked to germline BAP1 mutations; COMMON Syndrome; TUMOR PREDISPOSITION SYNDROME 1; BAP1 tumor predisposition syndrome. Identifiers: Orphanet 289539, MedGen C3280492, MONDO:0013692, OMIM 614327.

Submissions (2):

Labcorp Genetics (formerly Invitae), Labcorp
Classification: Pathogenic for BAP1-related tumor predisposition syndrome. Last evaluated: 2024-02-04. Review status: criteria provided, single submitter. Criteria: Invitae Variant Classification Sherloc (09022015). Collection method: clinical testing. Allele origin: germline.
Comment: This sequence change affects the initiator methionine of the BAP1 mRNA. The next in-frame methionine is located at codon 80. This variant is not present in population databases (gnomAD no frequency). This variant has not been reported in the literature in individuals affected with BAP1-related conditions. ClinVar contains an entry for this variant (Variation ID: 1953049). This variant disrupts a region of the BAP1 protein in which other variant(s) (p.Gly45Arg) have been determined to be pathogenic (Invitae). This suggests that this is a clinically significant region of the protein, and that variants that disrupt it are likely to be disease-causing. For these reasons, this variant has been classified as Pathogenic.

Ambry Genetics
Classification: Likely pathogenic for Hereditary cancer-predisposing syndrome. Last evaluated: 2023-02-24. Review status: criteria provided, single submitter. Criteria: Ambry Variant Classification Scheme 2023. Collection method: clinical testing. Allele origin: germline.
Comment: The p.M1? variant (also known as c.3G>C) is located in coding exon 1 of the BAP1 gene and results from a G to C substitution at nucleotide position 3. This alters the methionine residue at the initiation codon (ATG). A different nucleotide change impacting the initiation codon, c.3G>A, has been reported as a germline finding in an individual with uveal melanoma (Ewens KG et al. BMC Cancer, 2018 Nov;18:1172). The c.3G>C variant is considered to be rare based on population cohorts in the Genome Aggregation Database (gnomAD). This amino acid position is highly conserved in available vertebrate species. In addition to the clinical data presented in the literature, sequence variations that modify the initiation codon are expected to result in either loss of translation initiation, N-terminal truncation, or cause a shift in the mRNA reading frame. Based on the majority of available evidence to date, this variant is likely to be pathogenic.

Literature cited by the submitters: PubMed 30477459 (cited by Ambry Genetics).